The following is an entry in ClinVar:

ClinVar aggregate classification (germline): Conflicting classifications of pathogenicity. Review status: criteria provided, conflicting classifications (1 of 4 stars). 3 submissions from 3 submitters: Uncertain significance (2); Likely benign (1). Last evaluated 2025-06-25.

Conditions:
Hereditary cancer-predisposing syndrome. Also called: Neoplastic Syndromes, Hereditary; Tumor predisposition; Hereditary Cancer Syndrome; Hereditary neoplastic syndrome. Identifiers: Orphanet 140162, MedGen C0027672, MeSH D009386, MONDO:0015356.
Hereditary breast ovarian cancer syndrome. Also called: Breast and ovarian cancer; BRCA1- and BRCA2-Associated Hereditary Breast and Ovarian Cancer; Hereditary breast and ovarian cancer; Hereditary breast and ovarian cancer syndrome (HBOC); Hereditary breast and/or ovarian cancer syndrome; Hereditary breast and ovarian cancer syndrome. Identifiers: Orphanet 145, MedGen C0677776, MeSH D061325, MONDO:0003582. Disease mechanism: loss of function.

Allele frequency attached by ClinVar (database versions not stated): TOPMed below 0.00001; gnomAD 0.00002.
gnomAD v4.1: 3 of 1,614,040 alleles (0.00019%); highest among the groups gnomAD compares: African/African-American, 0.004%; no homozygotes.

Submissions (3):

Ambry Genetics
Classification: Uncertain significance for Hereditary cancer-predisposing syndrome. Last evaluated: 2025-06-25. Review status: criteria provided, single submitter. Criteria: Ambry Variant Classification Scheme 2023. Collection method: clinical testing. Allele origin: germline.
Comment: The p.R951G variant (also known as c.2851A>G), located in coding exon 9 of the BRCA1 gene, results from an A to G substitution at nucleotide position 2851. The arginine at codon 951 is replaced by glycine, an amino acid with dissimilar properties. This amino acid position is not well conserved in available vertebrate species. In addition, this alteration is predicted to be tolerated by in silico analysis. Since supporting evidence is limited at this time, the clinical significance of this alteration remains unclear.

Labcorp Genetics (formerly Invitae), Labcorp
Classification: Uncertain significance for Hereditary breast ovarian cancer syndrome. Last evaluated: 2024-11-13. Review status: criteria provided, single submitter. Criteria: Invitae Variant Classification Sherloc (09022015). Collection method: clinical testing. Allele origin: germline.
Comment: This sequence change replaces arginine, which is basic and polar, with glycine, which is neutral and non-polar, at codon 951 of the BRCA1 protein (p.Arg951Gly). This variant is present in population databases (no rsID available, gnomAD 0.02%). This variant has not been reported in the literature in individuals affected with BRCA1-related conditions. ClinVar contains an entry for this variant (Variation ID: 649341). Invitae Evidence Modeling of protein sequence and biophysical properties (such as structural, functional, and spatial information, amino acid conservation, physicochemical variation, residue mobility, and thermodynamic stability) indicates that this missense variant is not expected to disrupt BRCA1 protein function with a negative predictive value of 80%. In summary, the available evidence is currently insufficient to determine the role of this variant in disease. Therefore, it has been classified as a Variant of Uncertain Significance.

University of Washington Department of Laboratory Medicine, University of Washington
Classification: Likely benign for Hereditary cancer-predisposing syndrome. Last evaluated: 2023-03-23. Review status: criteria provided, single submitter. Criteria: Dines et al. (Genet Med. 2020). Collection method: curation. Allele origin: germline.
Comment: Missense variant in a coldspot region where missense variants are very unlikely to be pathogenic (PMID:31911673).

BRCA1 coldspot (exon 11 using historical exon numbering). Reclassification based on statistical prior probability

NM_007294.4(BRCA1):c.2851A>G (p.Arg951Gly)

Gene: BRCA1 (BRCA1 DNA repair associated; minus strand). Cytogenetic location: 17q21.31.
Variant type: single nucleotide variant.
Coding change: c.2851A>G on transcript NM_007294.4 (MANE Select); coding-DNA position 2851, A replaced by G.
Protein change: p.Arg951Gly; replaces arginine 951 with glycine.
Molecular consequence: missense variant. On other transcripts: intron variant (137).
Genome position (GRCh38, 1-based): chr17:43,092,680, T>C on the plus strand (A>G on the coding strand, the complement: BRCA1 is on the minus strand). VCF-style: chr17-43092680-T-C. GRCh37 (hg19) VCF-style: chr17-41244697-T-C.
Other names: c.2638A>G, p.Arg880Gly (NM_001407571.1, NM_001407853.1, NM_001407894.1 and 9 more transcripts); c.2851A>G, p.Arg951Gly (NM_001407581.1, NM_001407582.1, NM_001407583.1 and 30 more transcripts); c.2848A>G, p.Arg950Gly (NM_001407587.1, NM_001407590.1, NM_001407591.1 and 22 more transcripts); c.2842A>G, p.Arg948Gly (NM_001407646.1, NM_001407647.1); c.2728A>G, p.Arg910Gly (NM_001407648.1, NM_001407664.1, NM_001407665.1 and 19 more transcripts); c.2725A>G, p.Arg909Gly (NM_001407649.1, NM_001407670.1, NM_001407671.1 and 11 more transcripts); c.2773A>G, p.Arg925Gly (NM_001407653.1, NM_001407654.1, NM_001407655.1 and 4 more transcripts); c.2770A>G, p.Arg924Gly (NM_001407659.1, NM_001407660.1, NM_001407661.1 and 1 more transcripts); and 41 more; short protein forms R904G, R951G, R655G, R783G, R883G, R884G, R909G, R823G.
Identifiers: ClinVar variation 649341 (VCV000649341.14), dbSNP rs1347533994, ClinGen allele CA10596288.